The following is an entry in ClinVar:

NM_001364905.1(LRBA):c.1532A>G (p.Asn511Ser)

Gene: LRBA (LPS responsive beige-like anchor protein; minus strand). Cytogenetic location: 4q31.3.
Variant type: single nucleotide variant.
Coding change: c.1532A>G on transcript NM_001364905.1 (MANE Select); coding-DNA position 1532, A replaced by G.
Protein change: p.Asn511Ser; replaces asparagine 511 with serine.
Molecular consequence: missense variant.
Genome position (GRCh38, 1-based): chr4:150,906,367, T>C on the plus strand (A>G on the coding strand, the complement: LRBA is on the minus strand). VCF-style: chr4-150906367-T-C. GRCh37 (hg19) VCF-style: chr4-151827519-T-C.
Other names: c.1532A>G, p.Asn511Ser (NM_001199282.3, NM_001367550.1, NM_006726.5); short protein forms N511S.
Identifiers: ClinVar variation 847415 (VCV000847415.9), dbSNP rs1731341051, ClinGen allele CA358431859.

ClinVar aggregate classification (germline): Uncertain significance (1 of 4 stars; one submission).

Conditions:
Combined immunodeficiency due to LRBA deficiency. Also called: Common variable immunodeficiency 8, with autoimmunity. Identifiers: Orphanet 445018, MedGen C3553512, MONDO:0013863, OMIM 614700.

Allele frequency attached by ClinVar (database versions not stated): gnomAD exomes below 0.00001.
gnomAD v4.1: 1 of 1,612,028 alleles (0.000062%); highest among the groups gnomAD compares: Non-Finnish European, 0.000085%; no homozygotes.

Submission:

Labcorp Genetics (formerly Invitae), Labcorp
Classification: Uncertain significance for Combined immunodeficiency due to LRBA deficiency. Last evaluated: 2019-12-04. Review status: criteria provided, single submitter. Criteria: Invitae Variant Classification Sherloc (09022015). Collection method: clinical testing. Allele origin: germline.
Comment: This variant is not present in population databases (ExAC no frequency). This sequence change replaces asparagine with serine at codon 511 of the LRBA protein (p.Asn511Ser). The asparagine residue is weakly conserved and there is a small physicochemical difference between asparagine and serine. This variant has not been reported in the literature in individuals with LRBA-related conditions. In summary, the available evidence is currently insufficient to determine the role of this variant in disease. Therefore, it has been classified as a Variant of Uncertain Significance. Algorithms developed to predict the effect of missense changes on protein structure and function are either unavailable or do not agree on the potential impact of this missense change (SIFT: "Tolerated"; PolyPhen-2: "Probably Damaging"; Align-GVGD: "Class C0").